The following is an entry in ClinVar:

NM_000260.4(MYO7A):c.2399T>C (p.Leu800Pro)

Gene: MYO7A (myosin VIIA; plus strand). Cytogenetic location: 11q13.5.
Variant type: single nucleotide variant.
Coding change: c.2399T>C on transcript NM_000260.4 (MANE Select); coding-DNA position 2399, T replaced by C.
Protein change: p.Leu800Pro; replaces leucine 800 with proline.
Molecular consequence: missense variant.
Genome position (GRCh38, 1-based): chr11:77,179,766, T>C. VCF-style: chr11-77179766-T-C. GRCh37 (hg19) VCF-style: chr11-76890812-T-C.
Other names: c.2399T>C, p.Leu800Pro (NM_001127180.2); c.2366T>C, p.Leu789Pro (NM_001369365.1); short protein forms L789P, L800P.
Identifiers: ClinVar variation 1203386 (VCV001203386.11), dbSNP rs782080111, ClinGen allele CA381941489.

ClinVar aggregate classification (germline): Conflicting classifications of pathogenicity. Review status: criteria provided, conflicting classifications (1 of 4 stars). 3 submissions from 3 submitters: Pathogenic (1); Uncertain significance (2). Last evaluated 2026-02-27.

Conditions:
MYO7A-related disorder. Also called: MYO7A-related disorders.

gnomAD v4.1: 1 of 1,551,092 alleles (0.000064%); highest among the groups gnomAD compares: Non-Finnish European, 0.000087%; no homozygotes.

Submissions (3):

PreventionGenetics, part of Exact Sciences
Classification: Uncertain significance for MYO7A-related condition. Last evaluated: 2026-02-27. Review status: criteria provided, single submitter. Criteria: ACMG Guidelines, 2015. Collection method: clinical testing. Allele origin: germline.
Comment: The MYO7A c.2399T>C variant is predicted to result in the amino acid substitution p.Leu800Pro. To our knowledge, this variant has not been reported in the literature or in a large population database (gnomAD), indicating that this variant is rare. At PreventionGenetics, this variant has been observed in several patients with hearing loss, but in some cases additional potentially causative variants in other genes were also observed (internal data). This variant has conflicting interpretations of uncertain and likely pathogenic in ClinVar (Variation ID: 1203386). At this time, the clinical significance of this variant is uncertain due to the absence of conclusive functional genetic evidence.

Labcorp Genetics (formerly Invitae), Labcorp
Classification: Uncertain significance. Last evaluated: 2025-07-10. Review status: criteria provided, single submitter. Criteria: Invitae Variant Classification Sherloc (09022015). Collection method: clinical testing. Allele origin: germline.
Comment: This sequence change replaces leucine, which is neutral and non-polar, with proline, which is neutral and non-polar, at codon 800 of the MYO7A protein (p.Leu800Pro). This variant is not present in population databases (gnomAD no frequency). This variant has not been reported in the literature in individuals affected with MYO7A-related conditions. ClinVar contains an entry for this variant (Variation ID: 1203386). Invitae Evidence Modeling of protein sequence and biophysical properties (such as structural, functional, and spatial information, amino acid conservation, physicochemical variation, residue mobility, and thermodynamic stability) has been performed for this missense variant. However, the output from this modeling did not meet the statistical confidence thresholds required to predict the impact of this variant on MYO7A protein function. In summary, the available evidence is currently insufficient to determine the role of this variant in disease. Therefore, it has been classified as a Variant of Uncertain Significance.

GeneDx
Classification: Pathogenic. Last evaluated: 2025-06-02. Review status: criteria provided, single submitter. Criteria: GeneDx Variant Classification Process June 2021. Collection method: clinical testing. Allele origin: germline. Affected: yes.
Comment: Not observed at significant frequency in large population cohorts (gnomAD); In silico analysis supports that this missense variant has a deleterious effect on protein structure/function; Has not been previously published as pathogenic or benign to our knowledge